The following is an entry in ClinVar:

NM_014283.5(SUCO):c.2567T>C (p.Val856Ala)

Gene: SUCO (SUN domain containing ossification factor; plus strand). Cytogenetic location: 1q24.3.
Variant type: single nucleotide variant.
Coding change: c.2567T>C on transcript NM_014283.5 (MANE Select); coding-DNA position 2567, T replaced by C.
Protein change: p.Val856Ala; replaces valine 856 with alanine.
Molecular consequence: missense variant. On other transcripts: intron variant (1).
Genome position (GRCh38, 1-based): chr1:172,589,668, T>C. VCF-style: chr1-172589668-T-C. GRCh37 (hg19) VCF-style: chr1-172558808-T-C.
Other names: c.878T>C, p.Val293Ala (NM_001282751.2); c.3020T>C, p.Val1007Ala (NM_016227.4); c.1712+744T>C (NM_001282750.2); short protein forms V1007A, V293A, V856A.
Identifiers: ClinVar variation 2110503 (VCV002110503.4), dbSNP rs756877995, ClinGen allele CA32733231.

ClinVar aggregate classification (germline): Uncertain significance (1 of 4 stars; one submission).

Allele frequency attached by ClinVar (database versions not stated): gnomAD exomes below 0.00001.
gnomAD v4.1: 4 of 1,613,858 alleles (0.00025%); highest among the groups gnomAD compares: Non-Finnish European, 0.00034%; no homozygotes.

Submission:

Labcorp Genetics (formerly Invitae), Labcorp
Classification: Uncertain significance. Last evaluated: 2025-06-02. Review status: criteria provided, single submitter. Criteria: Invitae Variant Classification Sherloc (09022015). Collection method: clinical testing. Allele origin: germline.
Comment: This sequence change replaces valine, which is neutral and non-polar, with alanine, which is neutral and non-polar, at codon 856 of the SUCO protein (p.Val856Ala). This variant is not present in population databases (gnomAD no frequency). This variant has not been reported in the literature in individuals affected with SUCO-related conditions. ClinVar contains an entry for this variant (Variation ID: 2110503). An algorithm developed to predict the effect of missense changes on protein structure and function outputs the following: PolyPhen-2: "Benign". The alanine amino acid residue is found in multiple mammalian species, which suggests that this missense change does not adversely affect protein function. In summary, the available evidence is currently insufficient to determine the role of this variant in disease. Therefore, it has been classified as a Variant of Uncertain Significance.